The following is an entry in ClinVar:

NM_199328.3(CLDN8):c.647C>T (p.Pro216Leu)

Gene: CLDN8 (claudin 8; minus strand). Cytogenetic location: 21q22.11.
Variant type: single nucleotide variant.
Coding change: c.647C>T on transcript NM_199328.3 (MANE Select); coding-DNA position 647, C replaced by T.
Protein change: p.Pro216Leu; replaces proline 216 with leucine.
Molecular consequence: missense variant.
Genome position (GRCh38, 1-based): chr21:30,215,279, G>A on the plus strand (C>T on the coding strand, the complement: CLDN8 is on the minus strand). VCF-style: chr21-30215279-G-A. GRCh37 (hg19) VCF-style: chr21-31587597-G-A.
Other names: short protein forms P216L.
Identifiers: ClinVar variation 2652580 (VCV002652580.24), dbSNP rs73900962, ClinGen allele CA9994500.

ClinVar aggregate classification (germline): Benign (1 of 4 stars; one submission).

Allele frequency attached by ClinVar (database versions not stated): gnomAD 0.00940; 1000 Genomes Project 30x 0.00999; TOPMed 0.01080; ExAC 0.00292; 1000 Genomes Project 0.00879; ESP Exome Variant Server 0.01161.

Submission:

CeGaT Center for Human Genetics Tuebingen
Classification: Benign. Last evaluated: 2022-12-01. Review status: criteria provided, single submitter. Criteria: CeGaT Center For Human Genetics Tuebingen Variant Classification Criteria Version 2. Collection method: clinical testing. Allele origin: germline. Affected: yes. Observed: 1 variant allele.
Comment: CLDN8: BP4, BS1, BS2